The following is an entry in ClinVar:

ClinVar aggregate classification (germline): Uncertain significance. Review status: criteria provided, multiple submitters, no conflicts (2 of 4 stars). 2 submissions from 2 submitters: Uncertain significance (2). Last evaluated 2025-06-13.

Conditions:
Holoprosencephaly 10. Identifiers: MedGen C2675857, MONDO:0976262, OMIM 621143.

gnomAD v4.1: 32 of 1,614,052 alleles (0.002%); highest among the groups gnomAD compares: African/African-American, 0.016%; no homozygotes.

Submissions (2):

Labcorp Genetics (formerly Invitae), Labcorp
Classification: Uncertain significance. Last evaluated: 2025-06-13. Review status: criteria provided, single submitter. Criteria: Invitae Variant Classification Sherloc (09022015). Collection method: clinical testing. Allele origin: germline.
Comment: This sequence change replaces arginine, which is basic and polar, with glutamine, which is neutral and polar, at codon 631 of the DISP1 protein (p.Arg631Gln). This variant is present in population databases (rs368949985, gnomAD 0.02%). This variant has not been reported in the literature in individuals affected with DISP1-related conditions. ClinVar contains an entry for this variant (Variation ID: 3704364). An algorithm developed to predict the effect of missense changes on protein structure and function (PolyPhen-2) suggests that this variant is likely to be disruptive. In summary, the available evidence is currently insufficient to determine the role of this variant in disease. Therefore, it has been classified as a Variant of Uncertain Significance.

Juno Genomics, Hangzhou Juno Genomics, Inc
Classification: Uncertain significance for Holoprosencephaly 10. Review status: criteria provided, single submitter. Criteria: ACMG Guidelines, 2015. Collection method: clinical testing. Allele origin: germline.
Comment: Absent from controls (or at extremely low frequency if recessive) in Genome Aggregation Database.;Missense variant in a gene that has a low rate of benign missense variation.;Multiple lines of computational evidence support a deleterious effect on the gene or gene product.

NM_001377229.1(DISP1):c.1892G>A (p.Arg631Gln)

Gene: DISP1 (dispatched RND transporter family member 1; plus strand). Cytogenetic location: 1q41.
Variant type: single nucleotide variant.
Coding change: c.1892G>A on transcript NM_001377229.1 (MANE Select); coding-DNA position 1892, G replaced by A.
Protein change: p.Arg631Gln; replaces arginine 631 with glutamine.
Molecular consequence: missense variant.
Genome position (GRCh38, 1-based): chr1:223,003,289, G>A. VCF-style: chr1-223003289-G-A. GRCh37 (hg19) VCF-style: chr1-223176631-G-A.
Other names: c.1892G>A, p.Arg631Gln (NM_032890.5, NM_001369594.1, NM_001377228.1); c.1163G>A, p.Arg388Gln (NM_001350630.2); short protein forms R388Q, R631Q.
Identifiers: ClinVar variation 3704364 (VCV003704364.4).
Genomic context (GRCh38, chr1:223,003,289, plus strand): 5'-CCAGTTTTACCACTGCTGCTGCCTTTTATGCTAACTATGTTAGCAACATTACAGCAATCC[G>A]ATGCTTTGGGGTTTATGCGGGGACAGCTATATTGGTGAATTACGTTTTGATGGTCACATG-3'
Protein context (NP_001364158.1, residues 621-641): ANYVSNITAI[Arg631Gln]CFGVYAGTAI